The following is an entry in ClinVar:

NM_001903.5(CTNNA1):c.2511C>T (p.Tyr837=)

Gene: CTNNA1 (catenin alpha 1; plus strand). Cytogenetic location: 5q31.2.
Variant type: single nucleotide variant.
Coding change: c.2511C>T on transcript NM_001903.5 (MANE Select); coding-DNA position 2511, C replaced by T.
Protein change: p.Tyr837=; no amino-acid change (tyrosine 837 retained).
Molecular consequence: synonymous variant. On other transcripts: 3 prime UTR variant (5).
Genome position (GRCh38, 1-based): chr5:138,933,879, C>T. VCF-style: chr5-138933879-C-T. GRCh37 (hg19) VCF-style: chr5-138269568-C-T.
Other names: c.*56C>T (NM_001290307.3, NM_001324002.1, NM_001324003.1 and 2 more transcripts); c.2202C>T, p.Tyr734= (NM_001290309.3); c.2142C>T, p.Tyr714= (NM_001290310.3); c.1401C>T, p.Tyr467= (NM_001290312.1, NM_001323987.1, NM_001323988.1 and 12 more transcripts); c.2511C>T, p.Tyr837= (NM_001323982.2, NM_001323983.1, NM_001323984.2); c.2484C>T, p.Tyr828= (NM_001323985.2); c.2418C>T, p.Tyr806= (NM_001323986.2); c.1266C>T, p.Tyr422= (NM_001324001.1); and 3 more.
Identifiers: ClinVar variation 699581 (VCV000699581.16), dbSNP rs768589719, ClinGen allele CA3432257.
Genomic context (GRCh38, chr5:138,933,879, plus strand): 5'-CCTGATCCAGGCAGCCAAGAACTTGATGAATGCTGTGGTGCAGACAGTGAAGGCATCCTA[C>T]GTCGCCTCTACCAAATACCAAAAGTCACAGGGTATGGCTTCCCTCAACCTTCCTGCTGTG-3'
Protein context (NP_001894.2, residues 827-847): NAVVQTVKAS[Tyr837=]VASTKYQKSQ

ClinVar aggregate classification (germline): Benign/Likely benign. Review status: criteria provided, multiple submitters, no conflicts (2 of 4 stars). 5 submissions from 5 submitters: Benign (1); Likely benign (4). Last evaluated 2026-01-21.

Conditions:
Hereditary cancer-predisposing syndrome. Also called: Neoplastic Syndromes, Hereditary; Hereditary neoplastic syndrome; Hereditary Cancer Syndrome; Tumor predisposition. Identifiers: Orphanet 140162, MedGen C0027672, MeSH D009386, MONDO:0015356.
Hereditary diffuse gastric adenocarcinoma (HDGC). Also called: DIFFUSE GASTRIC AND LOBULAR BREAST CANCER SYNDROME. Identifiers: Orphanet 26106, MedGen C1708349, MONDO:0007648, OMIM 137215.

Allele frequency attached by ClinVar (database versions not stated): ExAC 0.00001; gnomAD 0.00001; TOPMed 0.00001; gnomAD exomes 0.00002.
gnomAD v4.1: 27 of 1,614,038 alleles (0.0017%); highest among the groups gnomAD compares: East Asian, 0.02%; no homozygotes.

Submissions (5):

Labcorp Genetics (formerly Invitae), Labcorp
Classification: Likely benign. Last evaluated: 2026-01-21. Review status: criteria provided, single submitter. Criteria: Invitae Variant Classification Sherloc (09022015). Collection method: clinical testing. Allele origin: germline.

Center for Genomic Medicine, Rigshospitalet, Copenhagen University Hospital
Classification: Likely benign. Last evaluated: 2025-03-04. Review status: criteria provided, single submitter. Criteria: ACMG Guidelines, 2015. Collection method: clinical testing. Allele origin: germline.

Blueprint Genetics
Classification: Likely benign. Last evaluated: 2024-10-17. Review status: criteria provided, single submitter. Criteria: ACMG Guidelines, 2015. Collection method: clinical testing. Allele origin: germline.

Myriad Genetics, Inc.
Classification: Benign for Hereditary diffuse gastric adenocarcinoma. Last evaluated: 2024-10-15. Review status: criteria provided, single submitter. Criteria: Myriad Autosomal Dominant, Autosomal Recessive and X-Linked Classification Criteria (2023). Collection method: clinical testing. Allele origin: unknown.
Comment: This variant is considered benign. This variant is a silent/synonymous amino acid change and it is not expected to impact splicing.

Ambry Genetics
Classification: Likely benign for Hereditary cancer-predisposing syndrome. Last evaluated: 2020-02-03. Review status: criteria provided, single submitter. Criteria: Ambry Variant Classification Scheme 2023. Collection method: clinical testing. Allele origin: germline.